The following is an entry in ClinVar:

ClinVar aggregate classification (germline): Conflicting classifications of pathogenicity. Review status: criteria provided, conflicting classifications (1 of 4 stars). 3 submissions from 3 submitters: Uncertain significance (2); Likely benign (1). Last evaluated 2025-05-05.

Conditions:
Hereditary breast ovarian cancer syndrome. Also called: Hereditary breast and ovarian cancer syndrome; Hereditary breast and ovarian cancer; Hereditary breast and ovarian cancer syndrome (HBOC); Breast and ovarian cancer; Hereditary breast and/or ovarian cancer syndrome; BRCA1- and BRCA2-Associated Hereditary Breast and Ovarian Cancer. Identifiers: Orphanet 145, MedGen C0677776, MeSH D061325, MONDO:0003582. Disease mechanism: loss of function.
Hereditary cancer-predisposing syndrome. Also called: Neoplastic Syndromes, Hereditary; Tumor predisposition; Hereditary neoplastic syndrome; Hereditary Cancer Syndrome. Identifiers: Orphanet 140162, MedGen C0027672, MeSH D009386, MONDO:0015356.

Allele frequency attached by ClinVar (database versions not stated): TOPMed below 0.00001.

Submissions (3):

Ambry Genetics
Classification: Uncertain significance for Hereditary cancer-predisposing syndrome. Last evaluated: 2025-05-05. Review status: criteria provided, single submitter. Criteria: Ambry Variant Classification Scheme 2023. Collection method: clinical testing. Allele origin: germline.
Comment: The p.N2113H variant (also known as c.6337A>C), located in coding exon 10 of the BRCA2 gene, results from an A to C substitution at nucleotide position 6337. The asparagine at codon 2113 is replaced by histidine, an amino acid with similar properties. This amino acid position is poorly conserved in available vertebrate species. In addition, this alteration is predicted to be tolerated by in silico analysis. Since supporting evidence is limited at this time, the clinical significance of this alteration remains unclear.

University of Washington Department of Laboratory Medicine, University of Washington
Classification: Likely benign for Hereditary cancer-predisposing syndrome. Last evaluated: 2023-03-23. Review status: criteria provided, single submitter. Criteria: Dines et al. (Genet Med. 2020). Collection method: curation. Allele origin: germline.
Comment: Missense variant in a coldspot region where missense variants are very unlikely to be pathogenic (PMID:31911673).

BRCA2 exon 11 coldspot. Reclassification based on statistical prior probability.

Labcorp Genetics (formerly Invitae), Labcorp
Classification: Uncertain significance for Hereditary breast ovarian cancer syndrome. Last evaluated: 2022-12-11. Review status: criteria provided, single submitter. Criteria: Invitae Variant Classification Sherloc (09022015). Collection method: clinical testing. Allele origin: germline.
Comment: Advanced modeling of protein sequence and biophysical properties (such as structural, functional, and spatial information, amino acid conservation, physicochemical variation, residue mobility, and thermodynamic stability) performed at Invitae indicates that this missense variant is not expected to disrupt BRCA2 protein function. This sequence change replaces asparagine, which is neutral and polar, with histidine, which is basic and polar, at codon 2113 of the BRCA2 protein (p.Asn2113His). This variant is not present in population databases (gnomAD no frequency). This variant has not been reported in the literature in individuals affected with BRCA2-related conditions. ClinVar contains an entry for this variant (Variation ID: 826328). In summary, the available evidence is currently insufficient to determine the role of this variant in disease. Therefore, it has been classified as a Variant of Uncertain Significance.

NM_000059.4(BRCA2):c.6337A>C (p.Asn2113His)

Gene: BRCA2 (BRCA2 DNA repair associated; plus strand). Cytogenetic location: 13q13.1.
Variant type: single nucleotide variant.
Coding change: c.6337A>C on transcript NM_000059.4 (MANE Select); coding-DNA position 6337, A replaced by C.
Protein change: p.Asn2113His; replaces asparagine 2113 with histidine.
Molecular consequence: missense variant.
Genome position (GRCh38, 1-based): chr13:32,340,692, A>C. VCF-style: chr13-32340692-A-C. GRCh37 (hg19) VCF-style: chr13-32914829-A-C.
Other names: short protein forms N2113H.
Identifiers: ClinVar variation 826328 (VCV000826328.18), dbSNP rs1555284644, ClinGen allele CA387789095.
Genomic context (GRCh38, chr13:32,340,692, plus strand): 5'-CACTATTCACCTACGTCTAGACAAAATGTATCAAAAATACTTCCTCGTGTTGATAAGAGA[A>C]ACCCAGAGCACTGTGTAAACTCAGAAATGGAAAAAACCTGCAGTAAAGAATTTAAATTAT-3'
Protein context (NP_000050.3, residues 2103-2123): SKILPRVDKR[Asn2113His]PEHCVNSEME